The following is an entry in ClinVar:

ClinVar aggregate classification (germline): Uncertain significance (1 of 4 stars; one submission).

Conditions:
Familial hypobetalipoproteinemia 1. Also called: APOB-Related Familial Hypobetalipoproteinemia; Hypobetalipoproteinemia, normotriglyceridemic; Acanthocytosis with hypobetalipoproteinemia. Identifiers: MedGen C4551990, MONDO:0014252, OMIM 615558.
Hypercholesterolemia, autosomal dominant, type B (FHCL2). Also called: Familial Hypercholesterolemia Type B; APOLIPOPROTEIN B-100, FAMILIAL DEFECTIVE; APOLIPOPROTEIN B-100, FAMILIAL LIGAND-DEFECTIVE; HYPERCHOLESTEROLEMIA, FAMILIAL, DUE TO LIGAND-DEFECTIVE APOLIPOPROTEIN B; Hyperlipoproteinemia Type IIb; Familial hypercholesterolemia 2. Identifiers: MedGen C1704417, MONDO:0007751, OMIM 144010.

Submission:

Labcorp Genetics (formerly Invitae), Labcorp
Classification: Uncertain significance for Familial hypobetalipoproteinemia 1; Hypercholesterolemia, autosomal dominant, type B. Last evaluated: 2024-09-12. Review status: criteria provided, single submitter. Criteria: Invitae Variant Classification Sherloc (09022015). Collection method: clinical testing. Allele origin: germline.
Comment: This sequence change replaces valine, which is neutral and non-polar, with glutamic acid, which is acidic and polar, at codon 2857 of the APOB protein (p.Val2857Glu). This variant is not present in population databases (gnomAD no frequency). This variant has not been reported in the literature in individuals affected with APOB-related conditions. Invitae Evidence Modeling of protein sequence and biophysical properties (such as structural, functional, and spatial information, amino acid conservation, physicochemical variation, residue mobility, and thermodynamic stability) indicates that this missense variant is not expected to disrupt APOB protein function with a negative predictive value of 95%. In summary, the available evidence is currently insufficient to determine the role of this variant in disease. Therefore, it has been classified as a Variant of Uncertain Significance.

NM_000384.3(APOB):c.8570T>A (p.Val2857Glu)

Gene: APOB (apolipoprotein B; minus strand). Cytogenetic location: 2p24.1.
Variant type: single nucleotide variant.
Coding change: c.8570T>A on transcript NM_000384.3 (MANE Select); coding-DNA position 8570, T replaced by A.
Protein change: p.Val2857Glu; replaces valine 2857 with glutamic acid.
Molecular consequence: missense variant.
Genome position (GRCh38, 1-based): chr2:21,008,298, A>T on the plus strand (T>A on the coding strand, the complement: APOB is on the minus strand). VCF-style: chr2-21008298-A-T. GRCh37 (hg19) VCF-style: chr2-21231170-A-T.
Other names: short protein forms V2857E.
Identifiers: ClinVar variation 3761388 (VCV003761388.2).